The following is an entry in ClinVar:

NM_023078.6(PYCR3):c.124G>A (p.Ala42Thr)

Gene: PYCR3 (pyrroline-5-carboxylate reductase 3; minus strand). Cytogenetic location: 8q24.3.
Variant type: single nucleotide variant.
Coding change: c.124G>A on transcript NM_023078.6 (MANE Select); coding-DNA position 124, G replaced by A.
Protein change: p.Ala42Thr; replaces alanine 42 with threonine.
Molecular consequence: missense variant. On other transcripts: non-coding transcript variant (1).
Genome position (GRCh38, 1-based): chr8:143,608,094, C>T on the plus strand (G>A on the coding strand, the complement: PYCR3 is on the minus strand). VCF-style: chr8-143608094-C-T. GRCh37 (hg19) VCF-style: chr8-144690264-C-T.
Other names: c.124G>A, p.Ala42Thr (NM_001329866.3); short protein forms A42T.
Identifiers: ClinVar variation 2658903 (VCV002658903.24), dbSNP rs34121654, ClinGen allele CA4914626.

ClinVar aggregate classification (germline): Likely benign (1 of 4 stars; one submission).

Allele frequency attached by ClinVar (database versions not stated): TOPMed 0.00160; ESP Exome Variant Server 0.00169; gnomAD 0.00269; gnomAD exomes 0.00296; 1000 Genomes Project 30x 0.00312; 1000 Genomes Project 0.00339; ExAC 0.00339.

Submission:

CeGaT Center for Human Genetics Tuebingen
Classification: Likely benign. Last evaluated: 2023-09-01. Review status: criteria provided, single submitter. Criteria: CeGaT Center For Human Genetics Tuebingen Variant Classification Criteria Version 2. Collection method: clinical testing. Allele origin: germline. Affected: yes. Observed: 1 variant allele.
Comment: PYCR3: BS2